The following is an entry in ClinVar:

ClinVar aggregate classification (germline): Likely benign. Review status: criteria provided, multiple submitters, no conflicts (2 of 4 stars). 3 submissions from 3 submitters: Likely benign (2). 1 of the submissions does not count toward it. Last evaluated 2025-07-22.

Conditions:
TUBGCP6-related disorder. Also called: TUBGCP6-related condition.

Allele frequency attached by ClinVar (database versions not stated): ExAC 0.00002; gnomAD exomes 0.00003 and 0.00005; ESP Exome Variant Server 0.00008; gnomAD 0.00012.

Submissions (3):

Labcorp Genetics (formerly Invitae), Labcorp
Classification: Likely benign. Last evaluated: 2025-07-22. Review status: criteria provided, single submitter. Criteria: Invitae Variant Classification Sherloc (09022015). Collection method: clinical testing. Allele origin: germline.

Blueprint Genetics
Classification: Likely benign. Last evaluated: 2024-10-16. Review status: criteria provided, single submitter. Criteria: ACMG Guidelines, 2015. Collection method: clinical testing. Allele origin: germline.

PreventionGenetics, part of Exact Sciences
Classification: Likely benign for TUBGCP6-related condition. Last evaluated: 2019-08-26. Review status: no assertion criteria provided. Collection method: clinical testing. Allele origin: germline. Not counted in ClinVar's aggregate classification.
Comment: This variant is classified as likely benign based on ACMG/AMP sequence variant interpretation guidelines (Richards et al. 2015 PMID: 25741868, with internal and published modifications).

NM_020461.4(TUBGCP6):c.3738C>T (p.Ser1246=)

Gene: TUBGCP6 (tubulin gamma complex component 6; minus strand). Cytogenetic location: 22q13.33.
Variant type: single nucleotide variant.
Coding change: c.3738C>T on transcript NM_020461.4 (MANE Select); coding-DNA position 3738, C replaced by T.
Protein change: p.Ser1246=; no amino-acid change (serine 1246 retained).
Molecular consequence: synonymous variant.
Genome position (GRCh38, 1-based): chr22:50,220,621, G>A on the plus strand (C>T on the coding strand, the complement: TUBGCP6 is on the minus strand). VCF-style: chr22-50220621-G-A. GRCh37 (hg19) VCF-style: chr22-50659050-G-A.
Other names: c.3738C>T (NM_020461.3).
Identifiers: ClinVar variation 1555310 (VCV001555310.11), dbSNP rs142182100, ClinGen allele CA10307836.